The following is an entry in ClinVar:

ClinVar aggregate classification (germline): Uncertain significance (1 of 4 stars; one submission).

Submission:

Mayo Clinic Laboratories, Mayo Clinic
Classification: Uncertain significance. Last evaluated: 2023-04-26. Review status: criteria provided, single submitter. Criteria: ACMG Guidelines, 2015. Collection method: clinical testing. Allele origin: germline. Observed: 1 variant allele.
Comment: PP3

NM_000443.4(ABCB4):c.2393A>C (p.Gln798Pro)

Gene: ABCB4 (ATP binding cassette subfamily B member 4; minus strand). Cytogenetic location: 7q21.12.
Variant type: single nucleotide variant.
Coding change: c.2393A>C on transcript NM_000443.4 (MANE Select); coding-DNA position 2393, A replaced by C.
Protein change: p.Gln798Pro; replaces glutamine 798 with proline.
Molecular consequence: missense variant.
Genome position (GRCh38, 1-based): chr7:87,419,999, T>G on the plus strand (A>C on the coding strand, the complement: ABCB4 is on the minus strand). VCF-style: chr7-87419999-T-G. GRCh37 (hg19) VCF-style: chr7-87049315-T-G.
Other names: p.Gln798Pro; c.2393A>C, p.Gln798Pro (NM_018849.3, NM_018850.3); short protein forms Q798P.
Identifiers: ClinVar variation 2682975 (VCV002682975.1), dbSNP rs2546779678, ClinGen allele CA368062550.